The following is an entry in ClinVar:

NM_006363.6(SEC23B):c.1233_1233+1dup

Gene: SEC23B (SEC23 homolog B, COPII component; plus strand). Cytogenetic location: 20p11.23.
Variant type: Duplication.
Coding change: c.1233_1233+1dup on transcript NM_006363.6 (MANE Select); coding-DNA position 1233 through the canonical splice donor site of the intron after coding-DNA position 1233, 2 bases duplicated (GG; older notation c.1233_1233+1dupGG).
Molecular consequence: splice donor variant.
Genome position (GRCh38, 1-based): chr20:18,530,803-18,530,804, GG duplicated. VCF-style (leftmost placement, unchanged base first): chr20-18530802-A-AGG. GRCh37 (hg19) VCF-style: chr20-18511446-A-AGG.
Other names: c.1233_1233+1dup (NM_032986.5, NM_001172745.3, NM_032985.6); c.1179_1179+1dup (NM_001172746.3).
Identifiers: ClinVar variation 2944500 (VCV002944500.3), dbSNP rs2517482635, ClinGen allele CA2740097037.

ClinVar aggregate classification (germline): Likely pathogenic (1 of 4 stars; one submission).

Conditions:
Congenital dyserythropoietic anemia, type II (CDAN2). Also called: DYSERYTHROPOIETIC ANEMIA, HEMPAS TYPE. Identifiers: Orphanet 98873, MedGen C1306589, MONDO:0009134, OMIM 224100.
Cowden syndrome 7 (CWS7). Identifiers: Orphanet 201, MedGen C4225179, MONDO:0014802, OMIM 616858.

Submission:

Labcorp Genetics (formerly Invitae), Labcorp
Classification: Likely pathogenic for Congenital dyserythropoietic anemia, type II; Cowden syndrome 7. Last evaluated: 2023-02-26. Review status: criteria provided, single submitter. Criteria: Invitae Variant Classification Sherloc (09022015). Collection method: clinical testing. Allele origin: germline.
Comment: In summary, the currently available evidence indicates that the variant is pathogenic, but additional data are needed to prove that conclusively. Therefore, this variant has been classified as Likely Pathogenic. This variant has not been reported in the literature in individuals affected with SEC23B-related conditions. This variant is not present in population databases (gnomAD no frequency). This sequence change affects a splice site in intron 10 of the SEC23B gene. It is expected to disrupt RNA splicing. Variants that disrupt the donor or acceptor splice site typically lead to a loss of protein function (PMID: 16199547), and loss-of-function variants in SEC23B are known to be pathogenic (PMID: 19561605, 25044164).

Literature cited by the submitters: PubMed 16199547; PubMed 19561605; PubMed 25044164.